The following is an entry in ClinVar:

NM_003900.5(SQSTM1):c.316C>T (p.Arg106Trp)

Gene: SQSTM1 (sequestosome 1; plus strand). Cytogenetic location: 5q35.3.
Variant type: single nucleotide variant.
Coding change: c.316C>T on transcript NM_003900.5 (MANE Select); coding-DNA position 316, C replaced by T.
Protein change: p.Arg106Trp; replaces arginine 106 with tryptophan.
Molecular consequence: missense variant.
Genome position (GRCh38, 1-based): chr5:179,823,872, C>T. VCF-style: chr5-179823872-C-T. GRCh37 (hg19) VCF-style: chr5-179250872-C-T.
Other names: c.64C>T, p.Arg22Trp (NM_001142298.2, NM_001142299.2); short protein forms R22W, R106W.
Identifiers: ClinVar variation 353159 (VCV000353159.10), dbSNP rs886060503, ClinGen allele CA10621561.

ClinVar aggregate classification (germline): Uncertain significance. Review status: criteria provided, multiple submitters, no conflicts (2 of 4 stars). 3 submissions from 3 submitters: Uncertain significance (3). Last evaluated 2025-05-05.

Conditions:
Paget disease of bone 3. Identifiers: MedGen C4085252, MONDO:0008176, OMIM 167250.
Frontotemporal dementia and/or amyotrophic lateral sclerosis 1 (FTDALS1). Also called: Frontotemporal dementia with motor neuron disease 1; C9orf72 Frontotemporal Dementia and/or Amyotrophic Lateral Sclerosis. Identifiers: Orphanet 275872, MedGen C5779877, MONDO:0007105, OMIM 105550.
Paget disease of bone 2, early-onset (PDB2). Also called: Paget disease of bone 2. Identifiers: MedGen C4085251, MONDO:0011183, OMIM 602080.

Allele frequency attached by ClinVar (database versions not stated): gnomAD below 0.00001 and 0.00001; gnomAD exomes 0.00001.

Submissions (3):

Labcorp Genetics (formerly Invitae), Labcorp
Classification: Uncertain significance for Paget disease of bone 2, early-onset; Frontotemporal dementia and/or amyotrophic lateral sclerosis 1. Last evaluated: 2025-05-05. Review status: criteria provided, single submitter. Criteria: Invitae Variant Classification Sherloc (09022015). Collection method: clinical testing. Allele origin: germline.
Comment: This sequence change replaces arginine, which is basic and polar, with tryptophan, which is neutral and slightly polar, at codon 106 of the SQSTM1 protein (p.Arg106Trp). This variant is not present in population databases (gnomAD no frequency). This variant has not been reported in the literature in individuals affected with SQSTM1-related conditions. ClinVar contains an entry for this variant (Variation ID: 353159). Invitae Evidence Modeling of protein sequence and biophysical properties (such as structural, functional, and spatial information, amino acid conservation, physicochemical variation, residue mobility, and thermodynamic stability) has been performed for this missense variant. However, the output from this modeling did not meet the statistical confidence thresholds required to predict the impact of this variant on SQSTM1 protein function. In summary, the available evidence is currently insufficient to determine the role of this variant in disease. Therefore, it has been classified as a Variant of Uncertain Significance.

GeneDx
Classification: Uncertain significance. Last evaluated: 2023-01-24. Review status: criteria provided, single submitter. Criteria: GeneDx Variant Classification Process June 2021. Collection method: clinical testing. Allele origin: germline. Affected: yes.
Comment: Not observed at significant frequency in large population cohorts (gnomAD); In silico analysis supports that this missense variant has a deleterious effect on protein structure/function; Has not been previously published as pathogenic or benign to our knowledge

Illumina Laboratory Services, Illumina
Classification: Uncertain significance for Paget disease of bone 3. Last evaluated: 2018-01-12. Review status: criteria provided, single submitter. Criteria: ICSL Variant Classification Criteria 13 December 2019. Collection method: clinical testing. Allele origin: germline.